The following is an entry in ClinVar:

NM_002303.6(LEPR):c.1897G>C (p.Val633Leu)

Gene: LEPR (leptin receptor; plus strand). Cytogenetic location: 1p31.3.
Variant type: single nucleotide variant.
Coding change: c.1897G>C on transcript NM_002303.6 (MANE Select); coding-DNA position 1897, G replaced by C.
Protein change: p.Val633Leu; replaces valine 633 with leucine.
Molecular consequence: missense variant.
Genome position (GRCh38, 1-based): chr1:65,610,091, G>C. VCF-style: chr1-65610091-G-C. GRCh37 (hg19) VCF-style: chr1-66075774-G-C.
Other names: c.1897G>C, p.Val633Leu (NM_001003679.3, NM_001003680.3, NM_001198687.2 and 2 more transcripts); short protein forms V633L.
Identifiers: ClinVar variation 3352411 (VCV003352411.4).

ClinVar aggregate classification (germline): Uncertain significance. Review status: criteria provided, multiple submitters, no conflicts (2 of 4 stars). 3 submissions from 3 submitters: Uncertain significance (3). Last evaluated 2026-02-18.

Conditions:
LEPR-related disorder. Also called: LEPR-related disorders; LEPR-related condition.
Inborn genetic diseases. Identifiers: MedGen C0950123, MeSH D030342.

gnomAD v4.1: 104 of 1,614,074 alleles (0.0064%); highest among the groups gnomAD compares: Non-Finnish European, 0.0085%; no homozygotes.

Submissions (3):

PreventionGenetics, part of Exact Sciences
Classification: Uncertain significance for LEPR-related condition. Last evaluated: 2026-02-18. Review status: criteria provided, single submitter. Criteria: ACMG Guidelines, 2015. Collection method: clinical testing. Allele origin: germline.
Comment: The LEPR c.1897G>C variant is predicted to result in the amino acid substitution p.Val633Leu. This variant was observed in a cohort of individuals with obesity, and in vitro functional studies showed function similar to wild-type levels (Supplemental Data Set, Shah et al. 2023. PubMed ID: 36864747). This variant is reported in 0.0054% of alleles in individuals of European (Non-Finnish) descent in gnomAD. Of note, a different variant affecting the same amino acid [c.1898T>A (p.Val633Asp)] was identified in a patient with severe obesity and was absent from the control population analyzed (Branson et al. 2003. PubMed ID: 12646666). At this time, the clinical significance of the c.1897G>C (p.Val633Leu) variant is uncertain due to the absence of conclusive functional and genetic evidence.

Labcorp Genetics (formerly Invitae), Labcorp
Classification: Uncertain significance. Last evaluated: 2025-08-20. Review status: criteria provided, single submitter. Criteria: Invitae Variant Classification Sherloc (09022015). Collection method: clinical testing. Allele origin: germline.
Comment: This sequence change replaces valine, which is neutral and non-polar, with leucine, which is neutral and non-polar, at codon 633 of the LEPR protein (p.Val633Leu). This variant is present in population databases (rs746296875, gnomAD 0.006%). This variant has not been reported in the literature in individuals affected with LEPR-related conditions. ClinVar contains an entry for this variant (Variation ID: 3352411). Invitae Evidence Modeling of protein sequence and biophysical properties (such as structural, functional, and spatial information, amino acid conservation, physicochemical variation, residue mobility, and thermodynamic stability) has been performed for this missense variant. However, the output from this modeling did not meet the statistical confidence thresholds required to predict the impact of this variant on LEPR protein function. In summary, the available evidence is currently insufficient to determine the role of this variant in disease. Therefore, it has been classified as a Variant of Uncertain Significance.

Ambry Genetics
Classification: Uncertain significance for Inborn genetic diseases. Last evaluated: 2025-04-20. Review status: criteria provided, single submitter. Criteria: Ambry Variant Classification Scheme 2023. Collection method: clinical testing. Allele origin: germline.